The following is an entry in ClinVar:

NM_017697.4(ESRP1):c.133-3G>C

Gene: ESRP1 (epithelial splicing regulatory protein 1; plus strand). Cytogenetic location: 8q22.1.
Variant type: single nucleotide variant.
Coding change: c.133-3G>C on transcript NM_017697.4 (MANE Select); 3 bases into the intron before coding-DNA position 133, G replaced by C.
Molecular consequence: intron variant.
Genome position (GRCh38, 1-based): chr8:94,641,953, G>C. VCF-style: chr8-94641953-G-C. GRCh37 (hg19) VCF-style: chr8-95654181-G-C.
Other names: c.133-3G>C (NM_001122825.2, NM_001034915.3, NM_001122826.2 and 1 more transcripts).
Identifiers: ClinVar variation 3029934 (VCV003029934.2), dbSNP rs1817620727, ClinGen allele CA1803573514.

ClinVar aggregate classification (germline): Likely benign (0 of 4 stars; one submission).

Conditions:
ESRP1-related disorder. Also called: ESRP1-related condition.

Allele frequency attached by ClinVar (database versions not stated): gnomAD exomes below 0.00001.
gnomAD v4.1: 1 of 1,613,828 alleles (0.000062%); highest among the groups gnomAD compares: South Asian, 0.0011%; no homozygotes.

Submission:

PreventionGenetics, part of Exact Sciences
Classification: Likely benign for ESRP1-related condition. Last evaluated: 2021-03-09. Review status: no assertion criteria provided. Collection method: clinical testing. Allele origin: germline.
Comment: This variant is classified as likely benign based on ACMG/AMP sequence variant interpretation guidelines (Richards et al. 2015 PMID: 25741868, with internal and published modifications).